The following is an entry in ClinVar:

ClinVar aggregate classification (germline): Likely benign. Review status: criteria provided, multiple submitters, no conflicts (2 of 4 stars). 3 submissions from 3 submitters: Likely benign (3). Last evaluated 2026-01-01.

gnomAD v4.1: 682 of 1,614,110 alleles (0.042%); highest among the groups gnomAD compares: Admixed American, 0.07%; no homozygotes.

Submissions (6):

CeGaT Center for Human Genetics Tuebingen
Classification: Likely benign. Last evaluated: 2026-01-01. Review status: criteria provided, single submitter. Criteria: CeGaT Center For Human Genetics Tuebingen Variant Classification Criteria Version 2. Collection method: clinical testing. Allele origin: germline. Affected: yes. Observed: 2 variant alleles.
Comment: GBF1: BP4, BP7

Blueprint Genetics
Classification: Likely benign. Last evaluated: 2024-11-07. Review status: criteria provided, single submitter. Criteria: ACMG Guidelines, 2015. Collection method: clinical testing. Allele origin: germline.

Mayo Clinic Laboratories, Mayo Clinic
Classification: Likely benign. Last evaluated: 2024-10-16. Review status: criteria provided, single submitter. Criteria: ACMG Guidelines, 2015. Collection method: clinical testing. Allele origin: germline. Observed: 5 variant alleles.
Comment: BS2, BP4, BP7

Dr. Peter K. Rogan Lab, Western University
No classification provided (evidence only). Condition: Clear cell carcinoma of kidney. Review status: no classification provided. Collection method: in vitro. Allele origin: not applicable. Functional consequence: retained intron. Not counted in ClinVar's aggregate classification.

Dr. Peter K. Rogan Lab, Western University
No classification provided (evidence only). Condition: Thyroid cancer, nonmedullary, 1. Review status: no classification provided. Collection method: in vitro. Allele origin: not applicable. Functional consequence: retained intron. Not counted in ClinVar's aggregate classification.

Dr. Peter K. Rogan Lab, Western University
No classification provided (evidence only). Condition: Ovarian serous cystadenocarcinoma. Review status: no classification provided. Collection method: in vitro. Allele origin: not applicable. Functional consequence: retained intron. Not counted in ClinVar's aggregate classification.

NM_001377137.1(GBF1):c.3990G>A (p.Pro1330=)

Gene: GBF1 (golgi brefeldin A resistant guanine nucleotide exchange factor 1; plus strand). Cytogenetic location: 10q24.32.
Variant type: single nucleotide variant.
Coding change: c.3990G>A on transcript NM_001377137.1 (MANE Select); coding-DNA position 3990, G replaced by A.
Protein change: p.Pro1330=; no amino-acid change (proline 1330 retained).
Molecular consequence: synonymous variant. On other transcripts: non-coding transcript variant (5).
Genome position (GRCh38, 1-based): chr10:102,376,375, G>A. VCF-style: chr10-102376375-G-A. GRCh37 (hg19) VCF-style: chr10-104136132-G-A.
Other names: NC_000010.10:g.104136132G>A; p.Pro1329=; c.3990G>A, p.Pro1330= (NM_001199378.2, NM_001391923.1); c.3987G>A, p.Pro1329= (NM_001199379.2, NM_001377141.1, NM_001391924.1 and 3 more transcripts); c.3951G>A, p.Pro1317= (NM_001377138.1, NM_001391925.1); c.3693G>A, p.Pro1231= (NM_001377139.1, NM_001377140.1); c.4086G>A, p.Pro1362= (NM_001391922.1, NM_001411027.1); c.3954G>A, p.Pro1318= (NM_001391926.1); and 4 more.
Identifiers: ClinVar variation 4359321 (VCV004359321.9).